The following is an entry in ClinVar:

ClinVar aggregate classification (germline): Uncertain significance. Review status: criteria provided, multiple submitters, no conflicts (2 of 4 stars). 3 submissions from 3 submitters: Uncertain significance (3). Last evaluated 2025-06-11.

Conditions:
Autosomal recessive ataxia, Beauce type. Also called: Spinocerebellar ataxia, autosomal recessive 8; ATAXIA, RECESSIVE, OF BEAUCE; SYNE1 Deficiency; SYNE1-Related Autosomal Recessive Cerebellar Ataxia. Identifiers: Orphanet 88644, MedGen C1853116, MONDO:0012549, OMIM 610743.
Emery-Dreifuss muscular dystrophy 4, autosomal dominant (EDMD4). Also called: EMERY-DREIFUSS MUSCULAR DYSTROPHY 4 WITH VARIABLE FEATURES. Identifiers: Orphanet 261, MedGen C2751807, MONDO:0013071, OMIM 612998.

Allele frequency attached by ClinVar (database versions not stated): gnomAD exomes 0.00006; TOPMed 0.00006; ExAC 0.00007; gnomAD 0.00007 and 0.00008; ESP Exome Variant Server 0.00008.
gnomAD v4.1: 124 of 1,613,924 alleles (0.0077%); highest among the groups gnomAD compares: Non-Finnish European, 0.01%; no homozygotes.

Submissions (3):

Labcorp Genetics (formerly Invitae), Labcorp
Classification: Uncertain significance for Emery-Dreifuss muscular dystrophy 4, autosomal dominant; Autosomal recessive ataxia, Beauce type. Last evaluated: 2025-06-11. Review status: criteria provided, single submitter. Criteria: Invitae Variant Classification Sherloc (09022015). Collection method: clinical testing. Allele origin: germline.
Comment: This sequence change replaces tyrosine, which is neutral and polar, with aspartic acid, which is acidic and polar, at codon 6268 of the SYNE1 protein (p.Tyr6268Asp). This variant is present in population databases (rs140567583, gnomAD 0.01%). This variant has not been reported in the literature in individuals affected with SYNE1-related conditions. ClinVar contains an entry for this variant (Variation ID: 644055). An algorithm developed to predict the effect of missense changes on protein structure and function (PolyPhen-2) suggests that this variant is likely to be disruptive. In summary, the available evidence is currently insufficient to determine the role of this variant in disease. Therefore, it has been classified as a Variant of Uncertain Significance.

GeneDx
Classification: Uncertain significance. Last evaluated: 2022-12-19. Review status: criteria provided, single submitter. Criteria: GeneDx Variant Classification Process June 2021. Collection method: clinical testing. Allele origin: germline. Affected: yes.
Comment: In silico analysis supports that this missense variant has a deleterious effect on protein structure/function; Has not been previously published as pathogenic or benign to our knowledge

Revvity Omics, Revvity
Classification: Uncertain significance. Last evaluated: 2022-11-21. Review status: criteria provided, single submitter. Criteria: ACMG Guidelines, 2015. Collection method: clinical testing. Allele origin: germline.

NM_182961.4(SYNE1):c.19015T>G (p.Tyr6339Asp)

Gene: SYNE1 (spectrin repeat containing nuclear envelope protein 1; minus strand). Cytogenetic location: 6q25.2.
Variant type: single nucleotide variant.
Coding change: c.19015T>G on transcript NM_182961.4 (MANE Select); coding-DNA position 19015, T replaced by G.
Protein change: p.Tyr6339Asp; replaces tyrosine 6339 with aspartic acid.
Molecular consequence: missense variant.
Genome position (GRCh38, 1-based): chr6:152,256,723, A>C on the plus strand (T>G on the coding strand, the complement: SYNE1 is on the minus strand). VCF-style: chr6-152256723-A-C. GRCh37 (hg19) VCF-style: chr6-152577858-A-C.
Other names: c.18802T>G, p.Tyr6268Asp (NM_033071.5); short protein forms Y6339D, Y6268D.
Identifiers: ClinVar variation 644055 (VCV000644055.12), dbSNP rs140567583, ClinGen allele CA4054787.